The following is an entry in ClinVar:

NM_000350.3(ABCA4):c.1442del (p.Phe481fs)

Gene: ABCA4 (ATP binding cassette subfamily A member 4; minus strand). Cytogenetic location: 1p22.1.
Variant type: Deletion.
Coding change: c.1442del on transcript NM_000350.3 (MANE Select); coding-DNA position 1442, one base deleted (T; older notation c.1442delT).
Protein change: p.Phe481fs; shifts the reading frame from phenylalanine 481.
Molecular consequence: frameshift variant.
Genome position (GRCh38, 1-based): chr1:94,077,802, A deleted on the plus strand (T on the coding strand, the reverse complement: ABCA4 is on the minus strand); the first of 2 consecutive A bases (chr1:94,077,802-94,077,803); deleting either gives the same sequence. VCF-style (leftmost placement, unchanged base first): chr1-94077801-GA-G. GRCh37 (hg19) VCF-style: chr1-94543357-GA-G.
Other names: c.1441delT, p.Phe481Serfs (NM_001425324.1); short protein forms F481fs.
Identifiers: ClinVar variation 1184877 (VCV001184877.5), dbSNP rs2101101226, ClinGen allele CA2499214899.

ClinVar aggregate classification (germline): Pathogenic. Review status: criteria provided, multiple submitters, no conflicts (2 of 4 stars). 2 submissions from 2 submitters: Pathogenic (2). Last evaluated 2023-02-11.

Submissions (2):

Labcorp Genetics (formerly Invitae), Labcorp
Classification: Pathogenic. Last evaluated: 2023-02-11. Review status: criteria provided, single submitter. Criteria: Invitae Variant Classification Sherloc (09022015). Collection method: clinical testing. Allele origin: germline.
Comment: This sequence change creates a premature translational stop signal (p.Phe481Serfs*87) in the ABCA4 gene. It is expected to result in an absent or disrupted protein product. Loss-of-function variants in ABCA4 are known to be pathogenic (PMID: 10958761, 24938718, 25312043, 26780318). This variant is not present in population databases (gnomAD no frequency). This variant has not been reported in the literature in individuals affected with ABCA4-related conditions. ClinVar contains an entry for this variant (Variation ID: 1184877). For these reasons, this variant has been classified as Pathogenic.

Institute of Medical Genetics and Applied Genomics, University Hospital Tübingen
Classification: Pathogenic. Last evaluated: 2021-06-17. Review status: criteria provided, single submitter. Criteria: ACMG Guidelines, 2015. Collection method: clinical testing. Allele origin: germline. Inheritance: Autosomal recessive inheritance. Affected: yes.

Literature cited by the submitters: PubMed 10958761 (cited by Labcorp Genetics (formerly Invitae), Labcorp); PubMed 24938718 (cited by Labcorp Genetics (formerly Invitae), Labcorp); PubMed 25312043 (cited by Labcorp Genetics (formerly Invitae), Labcorp); PubMed 26780318 (cited by Labcorp Genetics (formerly Invitae), Labcorp).